The following is an entry in ClinVar:

ClinVar aggregate classification (germline): Uncertain significance (1 of 4 stars; one submission).
ClinVar aggregate classification (oncogenicity): Likely oncogenic (1 of 4 stars; one submission).

Conditions:
EGFR-related lung cancer (EGFR). Identifiers: MedGen CN130014.
Neoplasm. Also called: tumor; Neoplasms; Neoplasm (disease). Identifiers: MedGen C0027651, MeSH D009369, MONDO:0005070, HP:0002664.

Submissions (2):

Center for Genomic Medicine, Rigshospitalet, Copenhagen University Hospital
Classification: Likely oncogenic for Neoplasm. Last evaluated: 2026-10-16. Review status: criteria provided, single submitter. Criteria: ClinGen/CGC/VICC Guidelines for Oncogenicity, 2022. Collection method: clinical testing. Allele origin: somatic. Affected: yes.

Labcorp Genetics (formerly Invitae), Labcorp
Classification: Uncertain significance for EGFR-related lung cancer. Last evaluated: 2023-12-14. Review status: criteria provided, single submitter. Criteria: Invitae Variant Classification Sherloc (09022015). Collection method: clinical testing. Allele origin: germline.
Comment: This sequence change replaces glycine, which is neutral and non-polar, with arginine, which is basic and polar, at codon 63 of the EGFR protein (p.Gly63Arg). This variant is not present in population databases (gnomAD no frequency). This variant has not been reported in the literature in individuals affected with EGFR-related conditions. Advanced modeling of protein sequence and biophysical properties (such as structural, functional, and spatial information, amino acid conservation, physicochemical variation, residue mobility, and thermodynamic stability) has been performed at Invitae for this missense variant, however the output from this modeling did not meet the statistical confidence thresholds required to predict the impact of this variant on EGFR protein function. In summary, the available evidence is currently insufficient to determine the role of this variant in disease. Therefore, it has been classified as a Variant of Uncertain Significance.

NM_005228.5(EGFR):c.187G>A (p.Gly63Arg)

Gene: EGFR (epidermal growth factor receptor; plus strand). Cytogenetic location: 7p11.2.
Variant type: single nucleotide variant.
Coding change: c.187G>A on transcript NM_005228.5 (MANE Select); coding-DNA position 187, G replaced by A.
Protein change: p.Gly63Arg; replaces glycine 63 with arginine.
Molecular consequence: missense variant. On other transcripts: intron variant (1).
Genome position (GRCh38, 1-based): chr7:55,142,384, G>A. VCF-style: chr7-55142384-G-A. GRCh37 (hg19) VCF-style: chr7-55210077-G-A.
Other names: c.187G>A, p.Gly63Arg (NM_001346897.2, NM_001346898.2, NM_001346899.2 and 3 more transcripts); c.28G>A, p.Gly10Arg (NM_001346900.2); c.89-13446G>A (NM_001346941.2); short protein forms G10R, G63R.
Identifiers: ClinVar variation 2702749 (VCV002702749.4), dbSNP rs2128926343, ClinGen allele CA367574780.